The following is an entry in ClinVar:

NM_000302.4(PLOD1):c.76+2T>G

Gene: PLOD1 (procollagen-lysine,2-oxoglutarate 5-dioxygenase 1; plus strand). Cytogenetic location: 1p36.22.
Variant type: single nucleotide variant.
Coding change: c.76+2T>G on transcript NM_000302.4 (MANE Select); the canonical splice donor site of the intron after coding-DNA position 76, T replaced by G.
Molecular consequence: splice donor variant.
Genome position (GRCh38, 1-based): chr1:11,934,857, T>G. VCF-style: chr1-11934857-T-G. GRCh37 (hg19) VCF-style: chr1-11994914-T-G.
Other names: c.76+2T>G (NM_001316320.2).
Identifiers: ClinVar variation 3641887 (VCV003641887.2).

ClinVar aggregate classification (germline): Likely pathogenic (1 of 4 stars; one submission).

Conditions:
Ehlers-Danlos syndrome, kyphoscoliotic type 1 (EDSKSCL1). Also called: EHLERS-DANLOS SYNDROME, TYPE VIA; Ehlers-Danlos syndrome, hydroxylysine-deficient; EHLERS-DANLOS SYNDROME, OCULAR-SCOLIOTIC TYPE; PLOD1-Related Kyphoscoliotic Ehlers-Danlos Syndrome. Identifiers: Orphanet 1900, MedGen C0268342, MONDO:0016002, OMIM 225400. Disease mechanism: loss of function.

Submission:

Labcorp Genetics (formerly Invitae), Labcorp
Classification: Likely pathogenic for Ehlers-Danlos syndrome, kyphoscoliotic type 1. Last evaluated: 2024-02-18. Review status: criteria provided, single submitter. Criteria: Invitae Variant Classification Sherloc (09022015). Collection method: clinical testing. Allele origin: germline.
Comment: This sequence change affects a donor splice site in intron 1 of the PLOD1 gene. It is expected to disrupt RNA splicing. Variants that disrupt the donor or acceptor splice site typically lead to a loss of protein function (PMID: 16199547), and loss-of-function variants in PLOD1 are known to be pathogenic (PMID: 10874315, 21699693). This variant is not present in population databases (gnomAD no frequency). This variant has not been reported in the literature in individuals affected with PLOD1-related conditions. Algorithms developed to predict the effect of sequence changes on RNA splicing suggest that this variant may disrupt the consensus splice site. In summary, the currently available evidence indicates that the variant is pathogenic, but additional data are needed to prove that conclusively. Therefore, this variant has been classified as Likely Pathogenic.

Literature cited by the submitters: PubMed 16199547; PubMed 10874315; PubMed 21699693.